The following is an entry in ClinVar:

ClinVar aggregate classification (germline): Uncertain significance. Review status: criteria provided, multiple submitters, no conflicts (2 of 4 stars). 2 submissions from 2 submitters: Uncertain significance (2). Last evaluated 2025-12-10.

Conditions:
IQCE-related disorder. Also called: IQCE-related condition.

Allele frequency attached by ClinVar (database versions not stated): gnomAD exomes 0.00003; TOPMed 0.00003; gnomAD 0.00004; ExAC 0.00007; ESP Exome Variant Server 0.00008.
gnomAD v4.1: 54 of 1,614,110 alleles (0.0033%); highest among the groups gnomAD compares: Middle Eastern, 0.033%; 1 homozygote.

Submissions (2):

PreventionGenetics, part of Exact Sciences
Classification: Uncertain significance for IQCE-related condition. Last evaluated: 2025-12-10. Review status: criteria provided, single submitter. Criteria: ACMG Guidelines, 2015. Collection method: clinical testing. Allele origin: germline.
Comment: The IQCE c.356G>A variant is predicted to result in the amino acid substitution p.Arg119Lys. To our knowledge, this variant has not been reported in the literature. This variant is reported in 0.010% of alleles in individuals of European (Non-Finnish) descent in gnomAD. At this time, the clinical significance of this variant is uncertain due to the absence of conclusive functional and genetic evidence.

Ambry Genetics
Classification: Uncertain significance. Last evaluated: 2021-09-27. Review status: criteria provided, single submitter. Criteria: Ambry Variant Classification Scheme 2023. Collection method: clinical testing. Allele origin: germline.

NM_152558.5(IQCE):c.356G>A (p.Arg119Lys)

Genes: IQCE (IQ motif containing E; plus strand), LOC126859928 (CDK7 strongly-dependent group 2 enhancer GRCh37_chr7:2611286-2612485; plus strand). Cytogenetic location: 7p22.3.
Variant type: single nucleotide variant.
Coding change: c.356G>A on transcript NM_152558.5 (MANE Select); coding-DNA position 356, G replaced by A.
Protein change: p.Arg119Lys; replaces arginine 119 with lysine.
Molecular consequence: missense variant.
Genome position (GRCh38, 1-based): chr7:2,572,288, G>A. VCF-style: chr7-2572288-G-A. GRCh37 (hg19) VCF-style: chr7-2611922-G-A.
Other names: c.356G>A, p.Arg119Lys (NM_001287499.2); c.308G>A, p.Arg103Lys (NM_001287500.2, NM_001410865.1); c.161G>A, p.Arg54Lys (NM_001287501.2, NM_001287502.2); c.356G>A (NM_152558.4); short protein forms R54K, R103K, R119K.
Identifiers: ClinVar variation 2349988 (VCV002349988.5), dbSNP rs370278948, ClinGen allele CA4128538.